The following is an entry in ClinVar:

ClinVar aggregate classification (germline): Uncertain significance. Review status: criteria provided, multiple submitters, no conflicts (2 of 4 stars). 3 submissions from 3 submitters: Uncertain significance (3). Last evaluated 2023-07-10.

Conditions:
Intellectual disability, autosomal dominant 16 (CSS4). Also called: COFFIN-SIRIS SYNDROME 4. Identifiers: Orphanet 1465, MedGen C3553249, MONDO:0013821, OMIM 614609.
Rhabdoid tumor predisposition syndrome 2 (RTPS2). Identifiers: Orphanet 231108, Orphanet 69077, MedGen C2750074, MONDO:0013224, OMIM 613325.
Hereditary cancer-predisposing syndrome. Also called: Neoplastic Syndromes, Hereditary; Tumor predisposition; Hereditary neoplastic syndrome; Hereditary Cancer Syndrome. Identifiers: Orphanet 140162, MedGen C0027672, MeSH D009386, MONDO:0015356.

Submissions (3):

Ambry Genetics
Classification: Uncertain significance for Hereditary cancer-predisposing syndrome. Last evaluated: 2023-07-10. Review status: criteria provided, single submitter. Criteria: Ambry Variant Classification Scheme 2023. Collection method: clinical testing. Allele origin: germline.
Comment: The p.I879T variant (also known as c.2636T>C), located in coding exon 18 of the SMARCA4 gene, results from a T to C substitution at nucleotide position 2636. The isoleucine at codon 879 is replaced by threonine, an amino acid with similar properties. Missense and in-frame variants in SMARCA4 are known to cause neurodevelopmental disorders; however, such associations with rhabdoid tumor predisposition syndrome including small cell carcinoma of the ovary-hypercalcemic type (SCCOHT) are exceedingly rare (Kosho T et al. Am J Med Genet C Semin Med Genet. 2014 Sep;166C(3):262-75; Jelinic P et al. Nat Genet. 2014 May;46(5):424-6). This amino acid position is highly conserved in available vertebrate species. In addition, this alteration is predicted to be deleterious by in silico analysis. Since supporting evidence is limited at this time, the clinical significance of this alteration remains unclear.

Labcorp Genetics (formerly Invitae), Labcorp
Classification: Uncertain significance for Rhabdoid tumor predisposition syndrome 2. Last evaluated: 2022-08-10. Review status: criteria provided, single submitter. Criteria: Invitae Variant Classification Sherloc (09022015). Collection method: clinical testing. Allele origin: germline.
Comment: In summary, the available evidence is currently insufficient to determine the role of this variant in disease. Therefore, it has been classified as a Variant of Uncertain Significance. Algorithms developed to predict the effect of missense changes on protein structure and function (SIFT, PolyPhen-2, Align-GVGD) all suggest that this variant is likely to be disruptive. ClinVar contains an entry for this variant (Variation ID: 643377). This variant has not been reported in the literature in individuals affected with SMARCA4-related conditions. This variant is not present in population databases (gnomAD no frequency). This sequence change replaces isoleucine, which is neutral and non-polar, with threonine, which is neutral and polar, at codon 879 of the SMARCA4 protein (p.Ile879Thr).

Genome-Nilou Lab
Classification: Uncertain significance for Intellectual disability, autosomal dominant 16. Last evaluated: 2021-07-15. Review status: criteria provided, single submitter. Criteria: ACMG Guidelines, 2015. Collection method: clinical testing. Allele origin: germline. Affected: no.

NM_003072.5(SMARCA4):c.2636T>C (p.Ile879Thr)

Gene: SMARCA4 (SWI/SNF related BAF chromatin remodeling complex subunit ATPase 4; plus strand). Cytogenetic location: 19p13.2.
Variant type: single nucleotide variant.
Coding change: c.2636T>C on transcript NM_003072.5 (MANE Select); coding-DNA position 2636, T replaced by C.
Protein change: p.Ile879Thr; replaces isoleucine 879 with threonine.
Molecular consequence: missense variant. On other transcripts: non-coding transcript variant (1).
Genome position (GRCh38, 1-based): chr19:11,021,744, T>C. VCF-style: chr19-11021744-T-C. GRCh37 (hg19) VCF-style: chr19-11132420-T-C.
Other names: c.2636T>C, p.Ile879Thr (NM_001128844.3, NM_001128845.2, NM_001128846.2 and 5 more transcripts); short protein forms I879T.
Identifiers: ClinVar variation 643377 (VCV000643377.13), dbSNP rs1600277882, ClinGen allele CA404055631.